The following is an entry in ClinVar:

NM_005589.4(ALDH6A1):c.1156C>T (p.Arg386Ter)

Genes: ALDH6A1 (aldehyde dehydrogenase 6 family member A1; minus strand), BBOF1 (basal body orientation factor 1; plus strand). Cytogenetic location: 14q24.3.
Variant type: single nucleotide variant.
Coding change: c.1156C>T on transcript NM_005589.4 (MANE Select); coding-DNA position 1156, C replaced by T.
Protein change: p.Arg386Ter; replaces arginine 386 with a stop codon.
Molecular consequence: nonsense.
Genome position (GRCh38, 1-based): chr14:74,066,773, G>A on the plus strand (C>T on the coding strand, the complement: ALDH6A1 is on the minus strand). VCF-style: chr14-74066773-G-A. GRCh37 (hg19) VCF-style: chr14-74533476-G-A.
Other names: c.1117C>T, p.Arg373Ter (NM_001278593.2); c.694C>T, p.Arg232Ter (NM_001278594.2); c.1156C>T (NM_005589.2); short protein forms R386*, R373*, R232*.
Identifiers: ClinVar variation 522934 (VCV000522934.8), dbSNP rs781767219, ClinGen allele CA7265678.

ClinVar aggregate classification (germline): Conflicting classifications of pathogenicity. Review status: criteria provided, conflicting classifications (1 of 4 stars). 4 submissions from 4 submitters: Pathogenic (2); Uncertain significance (2). Last evaluated 2025-06-26.

Conditions:
Methylmalonate semialdehyde dehydrogenase deficiency (MMSDHD). Also called: MMSDH DEFICIENCY. Identifiers: Orphanet 289307, MedGen C3279840, MONDO:0013579, OMIM 614105.
Inborn genetic diseases. Identifiers: MedGen C0950123, MeSH D030342.

Allele frequency attached by ClinVar (database versions not stated): gnomAD exomes 0.00002 and 0.00005; TOPMed 0.00002; ExAC 0.00007.
gnomAD v4.1: 35 of 1,613,668 alleles (0.0022%); highest among the groups gnomAD compares: Admixed American, 0.0033%; no homozygotes.

Submissions (4):

Women's Health and Genetics/Laboratory Corporation of America, LabCorp
Classification: Uncertain significance. Last evaluated: 2025-06-26. Review status: criteria provided, single submitter. Criteria: LabCorp Variant Classification Summary - May 2015. Collection method: clinical testing. Allele origin: germline.
Comment: Variant summary: ALDH6A1 c.1156C>T (p.Arg386X) results in a premature termination codon, predicted to cause a truncation of the encoded protein or absence of the protein due to nonsense mediated decay, however current evidence is not sufficient to establish loss of function as a mechanism for disease. The variant allele was found at a frequency of 5.2e-05 in 251344 control chromosomes (gnomAD). This frequency is not significantly higher than estimated for a pathogenic variant in ALDH6A1 causing Methylmalonate Semialdehyde Dehydrogenase Deficiency, allowing no conclusion about variant significance. To our knowledge, no occurrence of c.1156C>T in individuals affected with Methylmalonate Semialdehyde Dehydrogenase Deficiency and no experimental evidence demonstrating its impact on protein function have been reported. ClinVar contains an entry for this variant (Variation ID: 522934). Based on the evidence outlined above, the variant was classified as uncertain significance.

Labcorp Genetics (formerly Invitae), Labcorp
Classification: Uncertain significance. Last evaluated: 2023-10-10. Review status: criteria provided, single submitter. Criteria: Invitae Variant Classification Sherloc (09022015). Collection method: clinical testing. Allele origin: germline.
Comment: This sequence change creates a premature translational stop signal (p.Arg386*) in the ALDH6A1 gene. It is expected to result in an absent or disrupted protein product. However, the current clinical and genetic evidence is not sufficient to establish whether loss-of-function variants in ALDH6A1 cause disease. This variant is present in population databases (rs781767219, gnomAD 0.01%). This variant has not been reported in the literature in individuals affected with ALDH6A1-related conditions. ClinVar contains an entry for this variant (Variation ID: 522934). In summary, the available evidence is currently insufficient to determine the role of this variant in disease. Therefore, it has been classified as a Variant of Uncertain Significance.

Ambry Genetics
Classification: Pathogenic for Inborn genetic diseases. Last evaluated: 2021-01-27. Review status: criteria provided, single submitter. Criteria: Ambry Variant Classification Scheme 2023. Collection method: clinical testing. Allele origin: germline.
Comment: The c.1156C>T (p.R386*) alteration, located in exon 9 (coding exon 9) of the ALDH6A1 gene, consists of a C to T substitution at nucleotide position 1156. This changes the amino acid from an arginine (R) to a stop codon at amino acid position 386. This alteration is expected to result in loss of function by premature protein truncation or nonsense-mediated mRNA decay. Based on data from the Genome Aggregation Database (gnomAD) database, the ALDH6A1 c.1156C>T alteration was observed in 0.01% (13/251344) of total alleles studied. Based on the available evidence, this alteration is classified as pathogenic.

Genomic Research Center, Shahid Beheshti University of Medical Sciences
Classification: Pathogenic for Methylmalonate semialdehyde dehydrogenase deficiency. Last evaluated: 2020-05-03. Review status: criteria provided, single submitter. Criteria: ACMG Guidelines, 2015. Collection method: clinical testing. Allele origin: unknown. Affected: yes.